The following is an entry in ClinVar:

NM_000038.6(APC):c.4558G>C (p.Val1520Leu)

Gene: APC (APC regulator of Wnt signaling pathway; plus strand). Cytogenetic location: 5q22.2.
Variant type: single nucleotide variant.
Coding change: c.4558G>C on transcript NM_000038.6 (MANE Select); coding-DNA position 4558, G replaced by C.
Protein change: p.Val1520Leu; replaces valine 1520 with leucine.
Molecular consequence: missense variant.
Genome position (GRCh38, 1-based): chr5:112,840,152, G>C. VCF-style: chr5-112840152-G-C. GRCh37 (hg19) VCF-style: chr5-112175849-G-C.
Other names: c.4558G>C (NM_000038.5); c.4558G>C, p.Val1520Leu (NM_001127510.3, NM_001354895.2); c.4504G>C, p.Val1502Leu (NM_001127511.3); c.4612G>C, p.Val1538Leu (NM_001354896.2); c.4588G>C, p.Val1530Leu (NM_001354897.2); c.4483G>C, p.Val1495Leu (NM_001354898.2); c.4474G>C, p.Val1492Leu (NM_001354899.2); c.4435G>C, p.Val1479Leu (NM_001354900.2); and 6 more; short protein forms V1237L, V1360L, V1394L, V1419L, V1429L, V1461L, V1479L, V1492L.
Identifiers: ClinVar variation 999411 (VCV000999411.51), dbSNP rs964842635, ClinGen allele CA16031310.

ClinVar aggregate classification (germline): Uncertain significance. Review status: criteria provided, multiple submitters, no conflicts (2 of 4 stars). 3 submissions from 3 submitters: Uncertain significance (3). Last evaluated 2025-06-12.

Conditions:
Hereditary cancer-predisposing syndrome. Also called: Neoplastic Syndromes, Hereditary; Tumor predisposition; Hereditary Cancer Syndrome; Hereditary neoplastic syndrome. Identifiers: Orphanet 140162, MedGen C0027672, MeSH D009386, MONDO:0015356.
Familial adenomatous polyposis 1 (FAP1). Also called: FAMILIAL ADENOMATOUS POLYPOSIS 1, ATTENUATED; POLYPOSIS, ADENOMATOUS INTESTINAL. Identifiers: MedGen C2713442, MONDO:0021056, OMIM 175100. Disease mechanism: loss of function.

Submissions (3):

Ambry Genetics
Classification: Uncertain significance for Hereditary cancer-predisposing syndrome. Last evaluated: 2025-06-12. Review status: criteria provided, single submitter. Criteria: Ambry Variant Classification Scheme 2023. Collection method: clinical testing. Allele origin: germline.
Comment: The p.V1520L variant (also known as c.4558G>C), located in coding exon 15 of the APC gene, results from a G to C substitution at nucleotide position 4558. The valine at codon 1520 is replaced by leucine, an amino acid with highly similar properties. This amino acid position is well conserved in available vertebrate species. In addition, in silico predictors for this gene do not accurately predict pathogenicity. Missense alterations in APC are not a common cause of disease (Spier I et al. Genet Med. 2024 Feb;26(2):100992). Based on the available evidence, the clinical significance of this variant remains unclear.

Color Diagnostics, LLC DBA Color Health
Classification: Uncertain significance for Hereditary cancer-predisposing syndrome. Last evaluated: 2024-03-06. Review status: criteria provided, single submitter. Criteria: ACMG Guidelines, 2015. Collection method: clinical testing. Allele origin: germline.
Comment: This missense variant replaces valine with leucine at codon 1520 of the APC protein. Computational prediction suggests that this variant may not impact protein structure and function (internally defined REVEL score threshold <= 0.5, PMID: 27666373). To our knowledge, functional studies have not been reported for this variant. This variant has not been reported in individuals affected with hereditary cancer in the literature. This variant has not been identified in the general population by the Genome Aggregation Database (gnomAD). The available evidence is insufficient to determine the role of this variant in disease conclusively. Therefore, this variant is classified as a Variant of Uncertain Significance.

Labcorp Genetics (formerly Invitae), Labcorp
Classification: Uncertain significance for Familial adenomatous polyposis 1. Last evaluated: 2020-02-18. Review status: criteria provided, single submitter. Criteria: Invitae Variant Classification Sherloc (09022015). Collection method: clinical testing. Allele origin: germline.
Comment: This sequence change replaces valine with leucine at codon 1520 of the APC protein (p.Val1520Leu). The valine residue is highly conserved and there is a small physicochemical difference between valine and leucine. This variant is not present in population databases (ExAC no frequency). This variant has not been reported in the literature in individuals with APC-related conditions. Algorithms developed to predict the effect of missense changes on protein structure and function (SIFT, PolyPhen-2, Align-GVGD) all suggest that this variant is likely to be tolerated, but these predictions have not been confirmed by published functional studies and their clinical significance is uncertain. In summary, the available evidence is currently insufficient to determine the role of this variant in disease. Therefore, it has been classified as a Variant of Uncertain Significance.